The following is an entry in ClinVar:

ClinVar aggregate classification (germline): Likely pathogenic (1 of 4 stars; one submission).

Conditions:
Marfan syndrome (MFS). Also called: FBN1-Related Marfan Syndrome; MARFAN SYNDROME, TYPE I; Marfan syndrome type 1; Marfan's syndrome; Marfan syndrome, classic. Identifiers: Orphanet 284963, Orphanet 558, MedGen C0024796, MONDO:0007947, OMIM 154700.

Submission:

3billion
Classification: Likely pathogenic for Marfan syndrome. Last evaluated: 2025-12-16. Review status: criteria provided, single submitter. Criteria: ACMG Guidelines, 2015. Collection method: clinical testing. Allele origin: germline. Affected: yes.
Comment: The variant is not observed in the gnomAD v4.1.0 dataset. Predicted Consequence/Location: Frameshift: predicted to result in a loss or disruption of normal protein function through nonsense-mediated decay (NMD) or protein truncation. Multiple pathogenic variants are reported downstream of the variant. Therefore, this variant is classified as Likely pathogenic according to the recommendation of ACMG/AMP guideline.

NM_000138.5(FBN1):c.3327del (p.Asn1110fs)

Gene: FBN1 (fibrillin 1; minus strand). Cytogenetic location: 15q21.1.
Variant type: Deletion.
Coding change: c.3327del on transcript NM_000138.5 (MANE Select); coding-DNA position 3327, one base deleted (G; older notation c.3327delG).
Protein change: p.Asn1110fs; shifts the reading frame from asparagine 1110.
Molecular consequence: frameshift variant.
Genome position (GRCh38, 1-based): chr15:48,488,123, C deleted on the plus strand (G on the coding strand, the reverse complement: FBN1 is on the minus strand). VCF-style (leftmost placement, unchanged base first): chr15-48488122-TC-T. GRCh37 (hg19) VCF-style: chr15-48780319-TC-T.
Other names: c.3327del, p.Asn1110fs (NM_001406716.1); short protein forms N1110fs.
Identifiers: ClinVar variation 4854100 (VCV004854100.1).
Genomic context (GRCh38, chr15:48,488,122, plus strand): 5'-GCTTCATGGAATCCTTCTCTTTCTGTGTTGATCAAATGATCCCAAACTTACCCATGCAGT[TC>T]TTCATCATCATGAATCCACTTTCATAGCCTTCGTCACACTTGCATTCAAAGTCCCCAGGG-3'